The following is an entry in ClinVar:

NM_000287.4(PEX6):c.281C>A (p.Ala94Glu)

Gene: PEX6 (peroxisomal biogenesis factor 6; minus strand). Cytogenetic location: 6p21.1.
Variant type: single nucleotide variant.
Coding change: c.281C>A on transcript NM_000287.4 (MANE Select); coding-DNA position 281, C replaced by A.
Protein change: p.Ala94Glu; replaces alanine 94 with glutamic acid.
Molecular consequence: missense variant. On other transcripts: non-coding transcript variant (1).
Genome position (GRCh38, 1-based): chr6:42,978,870, G>T on the plus strand (C>A on the coding strand, the complement: PEX6 is on the minus strand). VCF-style: chr6-42978870-G-T. GRCh37 (hg19) VCF-style: chr6-42946608-G-T.
Other names: c.281C>A, p.Ala94Glu (NM_001316313.2); short protein forms A94E.
Identifiers: ClinVar variation 1394141 (VCV001394141.6), dbSNP rs61752143, ClinGen allele CA138238548.

ClinVar aggregate classification (germline): Uncertain significance (1 of 4 stars; one submission).

Conditions:
Peroxisome biogenesis disorder. Identifiers: Orphanet 79189, MedGen C1832200, MONDO:0019234. Disease mechanism: loss of function.

Submission:

Labcorp Genetics (formerly Invitae), Labcorp
Classification: Uncertain significance for Peroxisome biogenesis disorder. Last evaluated: 2023-08-04. Review status: criteria provided, single submitter. Criteria: Invitae Variant Classification Sherloc (09022015). Collection method: clinical testing. Allele origin: germline.
Comment: ClinVar contains an entry for this variant (Variation ID: 1394141). This variant is also known as Nt281C>A (A94K). This missense change has been observed in individual(s) with peroxisome biogenesis disorders in the Zellweger syndrome spectrum (PMID: 15542397). This variant is not present in population databases (gnomAD no frequency). This sequence change replaces alanine, which is neutral and non-polar, with glutamic acid, which is acidic and polar, at codon 94 of the PEX6 protein (p.Ala94Glu). An algorithm developed to predict the effect of missense changes on protein structure and function (PolyPhen-2) suggests that this variant is likely to be disruptive. In summary, the available evidence is currently insufficient to determine the role of this variant in disease. Therefore, it has been classified as a Variant of Uncertain Significance. This variant disrupts the p.Ala94 amino acid residue in PEX6. Other variant(s) that disrupt this residue have been observed in individuals with PEX6-related conditions (PMID: 29047053), which suggests that this may be a clinically significant amino acid residue.

Literature cited by the submitters: PubMed 15542397; PubMed 29047053.